The following is an entry in ClinVar:

ClinVar aggregate classification (germline): Uncertain significance (1 of 4 stars; one submission).

Conditions:
Long QT syndrome (LQTS). Identifiers: MedGen C0023976, MeSH D008133, MONDO:0002442. Disease mechanism: loss of function. Inheritance: Various modes of inheritance.

Submission:

Labcorp Genetics (formerly Invitae), Labcorp
Classification: Uncertain significance for Long QT syndrome. Last evaluated: 2022-11-28. Review status: criteria provided, single submitter. Criteria: Invitae Variant Classification Sherloc (09022015). Collection method: clinical testing. Allele origin: germline.
Comment: This variant has not been reported in the literature in individuals affected with AKAP9-related conditions. In summary, the available evidence is currently insufficient to determine the role of this variant in disease. Therefore, it has been classified as a Variant of Uncertain Significance. This variant is not present in population databases (gnomAD no frequency). This sequence change creates a premature translational stop signal (p.Tyr185*) in the AKAP9 gene. It is expected to result in an absent or disrupted protein product. However, the current clinical and genetic evidence is not sufficient to establish whether loss-of-function variants in AKAP9 cause disease.

NM_005751.5(AKAP9):c.555T>A (p.Tyr185Ter)

Gene: AKAP9 (A-kinase anchoring protein 9; plus strand). Cytogenetic location: 7q21.2.
Variant type: single nucleotide variant.
Coding change: c.555T>A on transcript NM_005751.5 (MANE Select); coding-DNA position 555, T replaced by A.
Protein change: p.Tyr185Ter; replaces tyrosine 185 with a stop codon.
Molecular consequence: nonsense.
Genome position (GRCh38, 1-based): chr7:91,993,034, T>A. VCF-style: chr7-91993034-T-A. GRCh37 (hg19) VCF-style: chr7-91622348-T-A.
Other names: c.555T>A, p.Tyr185Ter (NM_147185.3); short protein forms Y185*.
Identifiers: ClinVar variation 2817044 (VCV002817044.3), dbSNP rs1797961217, ClinGen allele CA368119661.
Genomic context (GRCh38, chr7:91,993,034, plus strand): 5'-TGGGAAGCAGCATGAGATTGAAGAGCTAAACAGAGAGCTGGAAGAAATGAGGGTTACCTA[T>A]GGGACTGAAGGACTGCAGCAGGTATGTTTATTTTCTGTGGCTTTTGATTTGCTACTCACA-3'